The following is an entry in ClinVar:

NC_000010.10:g.(50714059_50732078)_(50747170_?)dup

Genes: ERCC6 (ERCC excision repair 6, chromatin remodeling factor; minus strand), PGBD3 (piggyBac transposable element derived 3; minus strand). Cytogenetic location: 10q11.23.
Variant type: Duplication.
Identifiers: ClinVar variation 1698644 (VCV001698644.1).

ClinVar aggregate classification (germline): Uncertain significance (1 of 4 stars; one submission).

Submission:

Women's Health and Genetics/Laboratory Corporation of America, LabCorp
Classification: Uncertain significance. Last evaluated: 2022-06-28. Review status: criteria provided, single submitter. Criteria: LabCorp Variant Classification Summary - May 2015. Collection method: clinical testing. Allele origin: germline.
Comment: Variant summary: The variant identified by MLPA or other technology involves the duplication of exons 1-5 in the ERCC6 gene. A presumed nomenclature of c.(?_-177)_(1397+1_1398-1)dup has been designated for the purposes of this classification. It has been assumed that this is a tandem duplication in direct orientation (Richardson_GIM_2018, Newman_AJHG_2015). Since the exact breakpoints of this duplication are not known, it is not possible to predict if it causes an in-frame or an out-of-frame product. The variant was absent in 21692 control chromosomes. The available data on variant occurrences in the general population are insufficient to allow any conclusion about variant significance. To our knowledge, no occurrence of c.(?_-177)_(1397+1_1398-1)dup in individuals affected with Cockayne Syndrome and no experimental evidence demonstrating its impact on protein function have been reported. No clinical diagnostic laboratories have submitted clinical-significance assessments for this variant to ClinVar after 2014. Based on the evidence outlined above, the variant was classified as uncertain significance.